The following is an entry in ClinVar:

NM_005223.4(DNASE1):c.731G>A (p.Arg244Gln)

Gene: DNASE1 (deoxyribonuclease 1; plus strand). Cytogenetic location: 16p13.3.
Variant type: single nucleotide variant.
Coding change: c.731G>A on transcript NM_005223.4 (MANE Select); coding-DNA position 731, G replaced by A.
Protein change: p.Arg244Gln; replaces arginine 244 with glutamine.
Molecular consequence: missense variant. On other transcripts: non-coding transcript variant (2).
Genome position (GRCh38, 1-based): chr16:3,657,746, G>A. VCF-style: chr16-3657746-G-A. GRCh37 (hg19) VCF-style: chr16-3707747-G-A.
Other names: Q244R; c.731G>A, p.Arg244Gln (NM_001351825.2, NM_001387135.1, NM_001387140.1); c.800G>A, p.Arg267Gln (NM_001387139.1); c.524G>A, p.Arg175Gln (NM_001387141.1); c.731G>A (NM_005223.3); short protein forms R244Q, R175Q, R267Q.
Identifiers: ClinVar variation 16852 (VCV000016852.6), dbSNP rs1053874, ClinGen allele CA126922.
Genomic context (GRCh38, chr16:3,657,746, plus strand): 5'-GGGGAACCTACTTTCTCTTCCCAACACCCATCAGGATCGTGGTTGCAGGGATGCTGCTCC[G>A]AGGCGCCGTTGTTCCCGACTCGGCTCTTCCCTTTAACTTCCAGGCTGCCTATGGCCTGAG-3'
Protein context (NP_005214.2, residues 234-254): DRIVVAGMLL[Arg244Gln]GAVVPDSALP

ClinVar aggregate classification (germline): Benign. Review status: criteria provided, multiple submitters, no conflicts (2 of 4 stars). 4 submissions from 4 submitters: Benign (2). 2 of the submissions do not count toward it. Last evaluated 2024-01-24.

Conditions:
DNASE1-related disorder. Also called: DNASE1-related condition.
Systemic lupus erythematosus, susceptibility to. Identifiers: MedGen C3862275.

Allele frequency attached by ClinVar (database versions not stated): 1000 Genomes Project 30x 0.49578; TOPMed 0.45630; gnomAD 0.43995 and 0.44356; 1000 Genomes Project 0.49421.
gnomAD v4.1: 542,428 of 1,613,564 alleles (34%); highest among the groups gnomAD compares: African/African-American, 75%; 100,282 homozygotes.

Submissions (4):

Unidad de Genómica Garrahan, Hospital de Pediatría Garrahan
Classification: Benign. Last evaluated: 2024-01-24. Review status: criteria provided, single submitter. Criteria: ACMG Guidelines, 2015. Collection method: clinical testing. Allele origin: germline. Affected: no. Observed: 57 variant alleles.
Comment: This variant is classified as Benign based on local population frequency. This variant was detected in 65% of patients studied by a panel of primary immunodeficiencies. Number of patients: 57. Only high quality variants are reported.

Mayo Clinic Laboratories, Mayo Clinic
Classification: Benign. Last evaluated: 2023-08-15. Review status: criteria provided, single submitter. Criteria: ACMG Guidelines, 2015. Collection method: clinical testing. Allele origin: germline. Observed: 237 variant alleles.
Comment: BA1

PreventionGenetics, part of Exact Sciences
Classification: Benign for DNASE1-related condition. Last evaluated: 2019-10-21. Review status: no assertion criteria provided. Collection method: clinical testing. Allele origin: germline. Not counted in ClinVar's aggregate classification.
Comment: This variant is classified as benign based on ACMG/AMP sequence variant interpretation guidelines (Richards et al. 2015 PMID: 25741868, with internal and published modifications).

OMIM
Classification: risk factor for SYSTEMIC LUPUS ERYTHEMATOSUS, SUSCEPTIBILITY TO. Last evaluated: 2004-10-15. Review status: no assertion criteria provided. Collection method: literature only. Allele origin: germline. Not counted in ClinVar's aggregate classification.

Literature cited by the submitters: PubMed 15333586 (cited by Mayo Clinic Laboratories, Mayo Clinic and OMIM); PubMed 20417303 (cited by Mayo Clinic Laboratories, Mayo Clinic); PubMed 31541133 (cited by Mayo Clinic Laboratories, Mayo Clinic).